The following is an entry in ClinVar:

ClinVar aggregate classification (germline): Likely benign. Review status: criteria provided, multiple submitters, no conflicts (2 of 4 stars). 4 submissions from 4 submitters: Likely benign (4). Last evaluated 2025-12-10.

Conditions:
Cardiovascular phenotype. Identifiers: MedGen CN230736.
Cardiac arrhythmia. Also called: Arrhythmia; Cardiac rhythm disease. Identifiers: MedGen C0003811, MONDO:0007263, HP:0011675.
Long QT syndrome (LQTS). Identifiers: MedGen C0023976, MeSH D008133, MONDO:0002442. Disease mechanism: loss of function. Inheritance: Various modes of inheritance.

Allele frequency attached by ClinVar (database versions not stated): TOPMed 0.00002; gnomAD 0.00003.
gnomAD v4.1: 22 of 1,613,842 alleles (0.0014%); highest among the groups gnomAD compares: Non-Finnish European, 0.0019%; no homozygotes.

Submissions (4):

Labcorp Genetics (formerly Invitae), Labcorp
Classification: Likely benign for Long QT syndrome. Last evaluated: 2025-12-10. Review status: criteria provided, single submitter. Criteria: Invitae Variant Classification Sherloc (09022015). Collection method: clinical testing. Allele origin: germline.

All of Us Research Program, National Institutes of Health
Classification: Likely benign for Long QT syndrome. Last evaluated: 2024-09-23. Review status: criteria provided, single submitter. Criteria: ACMG Guidelines, 2015. Collection method: clinical testing. Allele origin: germline. Inheritance: Autosomal dominant inheritance. Observed: 6 variant alleles, 6 heterozygotes.
Comment: This study involves interpretation of variants in research participants for the purpose of population health screening. Participant phenotype was not available at the time of variant classification. Additional details can be found in publication PMID: 35346344, PMCID: PMC8962531

Color Diagnostics, LLC DBA Color Health
Classification: Likely benign for Arrhythmia. Last evaluated: 2019-06-10. Review status: criteria provided, single submitter. Criteria: ACMG Guidelines, 2015. Collection method: clinical testing. Allele origin: germline.

Ambry Genetics
Classification: Likely benign for Cardiovascular phenotype. Last evaluated: 2019-03-28. Review status: criteria provided, single submitter. Criteria: Ambry Variant Classification Scheme 2023. Collection method: clinical testing. Allele origin: germline.

NM_000218.3(KCNQ1):c.1197C>A (p.Ala399=)

Gene: KCNQ1 (potassium voltage-gated channel subfamily Q member 1; plus strand). Cytogenetic location: 11p15.5.
Variant type: single nucleotide variant.
Coding change: c.1197C>A on transcript NM_000218.3 (MANE Select); coding-DNA position 1197, C replaced by A.
Protein change: p.Ala399=; no amino-acid change (alanine 399 retained).
Molecular consequence: synonymous variant.
Genome position (GRCh38, 1-based): chr11:2,587,638, C>A. VCF-style: chr11-2587638-C-A. GRCh37 (hg19) VCF-style: chr11-2608868-C-A.
Other names: c.1101C>A, p.Ala367= (NM_001406836.1); c.927C>A, p.Ala309= (NM_001406837.1); c.657C>A, p.Ala219= (NM_001406838.1); c.816C>A, p.Ala272= (NM_181798.2).
Identifiers: ClinVar variation 703764 (VCV000703764.17), dbSNP rs756413033, ClinGen allele CA027736.
Genomic context (GRCh38, chr11:2,587,638, plus strand): 5'-GAGGTGCTATGCTGCCGAGAACCCCGACTCCTCCACCTGGAAGATCTACATCCGGAAGGC[C>A]CCCCGGAGCCACACTCTGCTGTCACCCAGCCCCAAACCCAAGAAGTCTGTGGTGGTGAGT-3'
Protein context (NP_000209.2, residues 389-409): SSTWKIYIRK[Ala399=]PRSHTLLSPS